The following is an entry in ClinVar:

ClinVar aggregate classification (germline): Uncertain significance (1 of 4 stars; one submission).

Conditions:
Cardiovascular phenotype. Identifiers: MedGen CN230736.

Submission:

Ambry Genetics
Classification: Uncertain significance for Cardiovascular phenotype. Last evaluated: 2025-08-12. Review status: criteria provided, single submitter. Criteria: Ambry Variant Classification Scheme 2023. Collection method: clinical testing. Allele origin: germline.
Comment: The p.E2901D variant (also known as c.8703G>C), located in coding exon 2 of the ZNF469 gene, results from a G to C substitution at nucleotide position 8703. The glutamic acid at codon 2901 is replaced by aspartic acid, an amino acid with highly similar properties. This amino acid position is conserved. In addition, this alteration is predicted to be tolerated by in silico analysis. Based on the available evidence, the clinical significance of this variant remains unclear.

NM_001127464.1:c.8703G>C

Gene: ZNF469 (zinc finger protein 469; plus strand).
Variant type: single nucleotide variant.
Identifiers: ClinVar variation 4209211 (VCV004209211.1).